The following is an entry in ClinVar:

ClinVar aggregate classification (germline): Likely pathogenic (1 of 4 stars; one submission).

Conditions:
LAMA2-related muscular dystrophy (LAMA2-RD). Also called: Laminin alpha 2-related dystrophy. Identifiers: MedGen C5679788, MONDO:0100228.

Submission:

Myriad Genetics, Inc.
Classification: Likely pathogenic for LAMA2-related muscular dystrophy. Last evaluated: 2019-09-13. Review status: criteria provided, single submitter. Criteria: Myriad Autosomal Dominant, Autosomal Recessive and X-Linked Classification Criteria (2023). Collection method: clinical testing. Allele origin: unknown.
Comment: NM_000426.3(LAMA2):c.1560T>A(C520*) is expected to be pathogenic in the context of LAMA2-related muscular dystrophy. This variant is predicted to lead to an abnormal or absent protein product due to the creation of a premature termination codon in LAMA2, a gene where loss-of-function variants are known to be pathogenic. Please note: this variant was assessed in the context of healthy population screening.

NM_000426.4(LAMA2):c.1560T>A (p.Cys520Ter)

Gene: LAMA2 (laminin subunit alpha 2; plus strand). Cytogenetic location: 6q22.33.
Variant type: single nucleotide variant.
Coding change: c.1560T>A on transcript NM_000426.4 (MANE Select); coding-DNA position 1560, T replaced by A.
Protein change: p.Cys520Ter; replaces cysteine 520 with a stop codon.
Molecular consequence: nonsense.
Genome position (GRCh38, 1-based): chr6:129,190,297, T>A. VCF-style: chr6-129190297-T-A. GRCh37 (hg19) VCF-style: chr6-129511442-T-A.
Other names: c.1560T>A, p.Cys520Ter (NM_001079823.2); short protein forms C520*.
Identifiers: ClinVar variation 984070 (VCV000984070.4), dbSNP rs1781455687, ClinGen allele CA365607970.